The following is an entry in ClinVar:

ClinVar aggregate classification (germline): Uncertain significance (1 of 4 stars; one submission).

Conditions:
Amyotrophic lateral sclerosis type 21. Also called: VOCAL CORD AND PHARYNGEAL DYSFUNCTION WITH DISTAL MYOPATHY; MYOPATHY, DISTAL, 2. Identifiers: Orphanet 600, Orphanet 803, MedGen C3807521, MONDO:0011632, OMIM 606070.

Submission:

Labcorp Genetics (formerly Invitae), Labcorp
Classification: Uncertain significance for Amyotrophic lateral sclerosis type 21. Last evaluated: 2024-11-11. Review status: criteria provided, single submitter. Criteria: Invitae Variant Classification Sherloc (09022015). Collection method: clinical testing. Allele origin: germline.
Comment: This sequence change replaces glycine, which is neutral and non-polar, with cysteine, which is neutral and slightly polar, at codon 237 of the MATR3 protein (p.Gly237Cys). This variant is not present in population databases (gnomAD no frequency). This variant has not been reported in the literature in individuals affected with MATR3-related conditions. Invitae Evidence Modeling of protein sequence and biophysical properties (such as structural, functional, and spatial information, amino acid conservation, physicochemical variation, residue mobility, and thermodynamic stability) indicates that this missense variant is not expected to disrupt MATR3 protein function with a negative predictive value of 80%. In summary, the available evidence is currently insufficient to determine the role of this variant in disease. Therefore, it has been classified as a Variant of Uncertain Significance.

NM_018834.6(MATR3):c.709G>T (p.Gly237Cys)

Gene: MATR3 (matrin 3; plus strand). Cytogenetic location: 5q31.2.
Variant type: single nucleotide variant.
Coding change: c.709G>T on transcript NM_018834.6 (MANE Select); coding-DNA position 709, G replaced by T.
Protein change: p.Gly237Cys; replaces glycine 237 with cysteine.
Molecular consequence: missense variant. On other transcripts: intron variant (11).
Genome position (GRCh38, 1-based): chr5:139,308,124, G>T. VCF-style: chr5-139308124-G-T. GRCh37 (hg19) VCF-style: chr5-138643813-G-T.
Other names: c.709G>T, p.Gly237Cys (NM_001194954.2, NM_001400442.1, NM_001400443.1 and 16 more transcripts); c.52-6551G>T (NM_001400459.1); c.-102-6551G>T (NM_001400463.1, NM_001400460.1, NM_001282278.2 and 3 more transcripts); c.-40-7573G>T (NM_001400462.1, NM_001400467.1); c.13-6551G>T (NM_001400461.1); c.49-6551G>T (NM_001194956.2); short protein forms G237C.
Identifiers: ClinVar variation 3646513 (VCV003646513.2).